The following is an entry in ClinVar:

ClinVar aggregate classification (germline): Uncertain significance. Review status: criteria provided, single submitter (1 of 4 stars). 2 submissions from 2 submitters: Uncertain significance (1). 1 of the submissions does not count toward it. Last evaluated 2021-09-01.

Conditions:
Congenital myasthenic syndrome (CMS). Also called: Congenital Myasthenic Syndromes. Identifiers: Orphanet 590, MedGen C0751882, MeSH D020294, MONDO:0018940.
Fetal akinesia deformation sequence 1 (FADS1). Also called: Fetal akinesia sequence; Pena-Shokeir syndrome type I. Identifiers: Orphanet 994, MedGen C1276035, MONDO:0100101, OMIM 208150, HP:0001989.
Congenital myasthenic syndrome 11. Also called: MYASTHENIC SYNDROME, CONGENITAL, Ie; Myasthenic syndrome, congenital, 11, associated with acetylcholine receptor deficiency. Identifiers: Orphanet 590, MedGen C4225367, MONDO:0014588, OMIM 616326.

Allele frequency attached by ClinVar (database versions not stated): gnomAD exomes below 0.00001.

Submissions (2):

Labcorp Genetics (formerly Invitae), Labcorp
Classification: Uncertain significance for Congenital myasthenic syndrome 11; Fetal akinesia deformation sequence 1. Last evaluated: 2021-09-01. Review status: criteria provided, single submitter. Criteria: Invitae Variant Classification Sherloc (09022015). Collection method: clinical testing. Allele origin: germline.
Comment: This sequence change replaces aspartic acid with histidine at codon 307 of the RAPSN protein (p.Asp307His). The aspartic acid residue is highly conserved and there is a moderate physicochemical difference between aspartic acid and histidine. This variant is not present in population databases (ExAC no frequency). This variant has not been reported in the literature in individuals affected with RAPSN-related conditions. Algorithms developed to predict the effect of missense changes on protein structure and function are either unavailable or do not agree on the potential impact of this missense change (SIFT: "Deleterious"; PolyPhen-2: "Benign"; Align-GVGD: "Class C0"). In summary, the available evidence is currently insufficient to determine the role of this variant in disease. Therefore, it has been classified as a Variant of Uncertain Significance.

Natera, Inc.
Classification: Uncertain significance for Congenital myasthenic syndrome. Last evaluated: 2021-06-29. Review status: no assertion criteria provided. Collection method: clinical testing. Allele origin: germline. Not counted in ClinVar's aggregate classification.

NM_005055.5(RAPSN):c.919G>C (p.Asp307His)

Gene: RAPSN (receptor associated protein of the synapse; minus strand). Cytogenetic location: 11p11.2.
Variant type: single nucleotide variant.
Coding change: c.919G>C on transcript NM_005055.5 (MANE Select); coding-DNA position 919, G replaced by C.
Protein change: p.Asp307His; replaces aspartic acid 307 with histidine.
Molecular consequence: missense variant. On other transcripts: intron variant (1).
Genome position (GRCh38, 1-based): chr11:47,441,206, C>G on the plus strand (G>C on the coding strand, the complement: RAPSN is on the minus strand). VCF-style: chr11-47441206-C-G. GRCh37 (hg19) VCF-style: chr11-47462757-C-G.
Other names: c.789+617G>C (NM_032645.5); short protein forms D307H.
Identifiers: ClinVar variation 575002 (VCV000575002.7), dbSNP rs1565683625, ClinGen allele CA380328756.